The following is an entry in ClinVar:

NM_003816.3(ADAM9):c.701C>T (p.Ala234Val)

Gene: ADAM9 (ADAM metallopeptidase domain 9; plus strand). Cytogenetic location: 8p11.22.
Variant type: single nucleotide variant.
Coding change: c.701C>T on transcript NM_003816.3 (MANE Select); coding-DNA position 701, C replaced by T.
Protein change: p.Ala234Val; replaces alanine 234 with valine.
Molecular consequence: missense variant. On other transcripts: non-coding transcript variant (3).
Genome position (GRCh38, 1-based): chr8:39,021,671, C>T. VCF-style: chr8-39021671-C-T. GRCh37 (hg19) VCF-style: chr8-38879190-C-T.
Other names: short protein forms A234V.
Identifiers: ClinVar variation 362926 (VCV000362926.14), dbSNP rs113649109, ClinGen allele CA4721416.
Genomic context (GRCh38, chr8:39,021,671, plus strand): 5'-GTGATAATGATTCTCCTTCTTTGCTTTTCCAGTATGACATGATGGGAAGAAATCAGACTG[C>T]TGTGAGAGAAGAGATGATTCTCCTGGCAAACTACTTGGATAGTGTAAGTTGTATTTTCTA-3'
Protein context (NP_003807.1, residues 224-244): RYDMMGRNQT[Ala234Val]VREEMILLAN

ClinVar aggregate classification (germline): Benign. Review status: criteria provided, multiple submitters, no conflicts (2 of 4 stars). 4 submissions from 4 submitters: Benign (4). Last evaluated 2026-02-01.

Conditions:
Cone-rod dystrophy 9 (CORD9). Identifiers: Orphanet 1872, MedGen C1423873, MONDO:0013002, OMIM 612775.

Allele frequency attached by ClinVar (database versions not stated): gnomAD exomes 0.00393 and 0.01072; ExAC 0.01289; 1000 Genomes Project 0.04173; gnomAD 0.04174 and 0.04523; 1000 Genomes Project 30x 0.04466; ESP Exome Variant Server 0.04552; TOPMed 0.04650.
gnomAD v4.1: 12,366 of 1,613,792 alleles (0.77%); highest among the groups gnomAD compares: African/African-American, 15%; 844 homozygotes.

Submissions (4):

Labcorp Genetics (formerly Invitae), Labcorp
Classification: Benign. Last evaluated: 2026-02-01. Review status: criteria provided, single submitter. Criteria: Invitae Variant Classification Sherloc (09022015). Collection method: clinical testing. Allele origin: germline.

GeneDx
Classification: Benign. Last evaluated: 2018-06-07. Review status: criteria provided, single submitter. Criteria: GeneDx Variant Classification (06012015). Collection method: clinical testing. Allele origin: germline. Affected: yes.
Comment: This variant is considered likely benign or benign based on one or more of the following criteria: it is a conservative change, it occurs at a poorly conserved position in the protein, it is predicted to be benign by multiple in silico algorithms, and/or has population frequency not consistent with disease.

Illumina Laboratory Services, Illumina
Classification: Benign for Cone-rod dystrophy 9. Last evaluated: 2018-01-12. Review status: criteria provided, single submitter. Criteria: ICSL Variant Classification Criteria 13 December 2019. Collection method: clinical testing. Allele origin: germline.
Comment: This variant was observed in the ICSL laboratory as part of a predisposition screen in an ostensibly healthy population. It had not been previously curated by ICSL or reported in the Human Gene Mutation Database (HGMD: prior to June 1st, 2018), and was therefore a candidate for classification through an automated scoring system. Utilizing variant allele frequency, disease prevalence and penetrance estimates, and inheritance mode, an automated score was calculated to assess if this variant is too frequent to cause the disease. Based on the score and internal cut-off values, a variant classified as benign is not then subjected to further curation. The score for this variant resulted in a classification of benign for this disease.

Breakthrough Genomics
Classification: Benign. Review status: criteria provided, single submitter. Criteria: ACMG Guidelines, 2015. Collection method: not provided. Allele origin: germline. Inheritance: Autosomal recessive inheritance. Affected: yes.